The following is an entry in ClinVar:

NM_003060.4(SLC22A5):c.1457A>G (p.Tyr486Cys)

Gene: SLC22A5 (solute carrier family 22 member 5; plus strand). Cytogenetic location: 5q31.1.
Variant type: single nucleotide variant.
Coding change: c.1457A>G on transcript NM_003060.4 (MANE Select); coding-DNA position 1457, A replaced by G.
Protein change: p.Tyr486Cys; replaces tyrosine 486 with cysteine.
Molecular consequence: missense variant.
Genome position (GRCh38, 1-based): chr5:132,393,682, A>G. VCF-style: chr5-132393682-A-G. GRCh37 (hg19) VCF-style: chr5-131729374-A-G.
Other names: c.1529A>G, p.Tyr510Cys (NM_001308122.2); short protein forms Y486C, Y510C.
Identifiers: ClinVar variation 1991606 (VCV001991606.1), dbSNP rs2532141202, ClinGen allele CA360809578.
Genomic context (GRCh38, chr5:132,393,682, plus strand): 5'-GAGACCAAGTCTAACTGCAGCCCTGGGCCTGAGGCTCCGTCTGCTTTGCCATAGGTGCCT[A>G]CGACCGCTTCCTGCCCTACATTCTCATGGGAAGTCTGACCATCCTGACAGCCATCCTCAC-3'
Protein context (NP_003051.1, residues 476-496): LSPYFVYLGA[Tyr486Cys]DRFLPYILMG

ClinVar aggregate classification (germline): Uncertain significance (1 of 4 stars; one submission).

Conditions:
Renal carnitine transport defect (CDSP). Also called: CARNITINE DEFICIENCY, SYSTEMIC, DUE TO DEFECT IN RENAL REABSORPTION OF CARNITINE; CARNITINE TRANSPORTER, PLASMA-MEMBRANE, DEFICIENCY OF; CARNITINE UPTAKE DEFECT; Primary carnitine deficiency; Systemic primary carnitine deficiency disease; Systemic primary carnitine deficiency. Identifiers: Orphanet 158, MedGen C0342788, MONDO:0008919, OMIM 212140.

Allele frequency attached by ClinVar (database versions not stated): gnomAD exomes below 0.00001.
gnomAD v4.1: 1 of 1,614,192 alleles (0.000062%); highest among the groups gnomAD compares: African/African-American, 0.0013%; no homozygotes.

Submission:

Labcorp Genetics (formerly Invitae), Labcorp
Classification: Uncertain significance for Renal carnitine transport defect. Last evaluated: 2022-05-22. Review status: criteria provided, single submitter. Criteria: Invitae Variant Classification Sherloc (09022015). Collection method: clinical testing. Allele origin: germline.
Comment: This sequence change replaces tyrosine, which is neutral and polar, with cysteine, which is neutral and slightly polar, at codon 486 of the SLC22A5 protein (p.Tyr486Cys). This variant is not present in population databases (gnomAD no frequency). This variant has not been reported in the literature in individuals affected with SLC22A5-related conditions. Advanced modeling of protein sequence and biophysical properties (such as structural, functional, and spatial information, amino acid conservation, physicochemical variation, residue mobility, and thermodynamic stability) performed at Invitae indicates that this missense variant is expected to disrupt SLC22A5 protein function. In summary, the available evidence is currently insufficient to determine the role of this variant in disease. Therefore, it has been classified as a Variant of Uncertain Significance.